The following is an entry in ClinVar:

NM_001453.3(FOXC1):c.356A>G (p.Lys119Arg)

Gene: FOXC1 (forkhead box C1; plus strand). Cytogenetic location: 6p25.3.
Variant type: single nucleotide variant.
Coding change: c.356A>G on transcript NM_001453.3 (MANE Select); coding-DNA position 356, A replaced by G.
Protein change: p.Lys119Arg; replaces lysine 119 with arginine.
Molecular consequence: missense variant.
Genome position (GRCh38, 1-based): chr6:1,610,801, A>G. VCF-style: chr6-1610801-A-G. GRCh37 (hg19) VCF-style: chr6-1611036-A-G.
Other names: short protein forms K119R.
Identifiers: ClinVar variation 537386 (VCV000537386.9), dbSNP rs759264099, ClinGen allele CA3614744.
Genomic context (GRCh38, chr6:1,610,801, plus strand): 5'-TCACCCTGAACGGCATCTACCAGTTCATCATGGACCGCTTCCCCTTCTACCGGGACAACA[A>G]GCAGGGCTGGCAGAACAGCATCCGCCACAACCTCTCGCTCAACGAGTGCTTCGTCAAGGT-3'
Protein context (NP_001444.2, residues 109-129): MDRFPFYRDN[Lys119Arg]QGWQNSIRHN

ClinVar aggregate classification (germline): Uncertain significance. Review status: criteria provided, multiple submitters, no conflicts (2 of 4 stars). 2 submissions from 2 submitters: Uncertain significance (2). Last evaluated 2025-08-21.

Conditions:
Axenfeld-Rieger syndrome type 3 (RIEG3). Also called: AXENFELD-RIEGER ANOMALY WITH CARDIAC DEFECTS AND/OR SENSORINEURAL HEARING LOSS. Identifiers: Orphanet 782, MedGen C2678503, MONDO:0011233, OMIM 602482.
Inborn genetic diseases. Identifiers: MedGen C0950123, MeSH D030342.

Allele frequency attached by ClinVar (database versions not stated): gnomAD exomes below 0.00001 and 0.00001; ExAC 0.00001; gnomAD 0.00001; TOPMed 0.00002.
gnomAD v4.1: 5 of 1,613,930 alleles (0.00031%); highest among the groups gnomAD compares: African/African-American, 0.0013%; no homozygotes.

Submissions (2):

Labcorp Genetics (formerly Invitae), Labcorp
Classification: Uncertain significance for Axenfeld-Rieger syndrome type 3. Last evaluated: 2025-08-21. Review status: criteria provided, single submitter. Criteria: Invitae Variant Classification Sherloc (09022015). Collection method: clinical testing. Allele origin: germline.
Comment: This sequence change replaces lysine, which is basic and polar, with arginine, which is basic and polar, at codon 119 of the FOXC1 protein (p.Lys119Arg). This variant is present in population databases (rs759264099, gnomAD 0.004%). This variant has not been reported in the literature in individuals affected with FOXC1-related conditions. ClinVar contains an entry for this variant (Variation ID: 537386). An algorithm developed to predict the effect of missense changes on protein structure and function (PolyPhen-2) suggests that this variant is likely to be disruptive. In summary, the available evidence is currently insufficient to determine the role of this variant in disease. Therefore, it has been classified as a Variant of Uncertain Significance.

Ambry Genetics
Classification: Uncertain significance for Inborn genetic diseases. Last evaluated: 2025-04-11. Review status: criteria provided, single submitter. Criteria: Ambry Variant Classification Scheme 2023. Collection method: clinical testing. Allele origin: germline.